The following is an entry in ClinVar:

NM_004667.6(HERC2):c.14459A>T (p.Asp4820Val)

Gene: HERC2 (HECT and RLD domain containing E3 ubiquitin protein ligase 2; minus strand). Cytogenetic location: 15q13.1.
Variant type: single nucleotide variant.
Coding change: c.14459A>T on transcript NM_004667.6 (MANE Select); coding-DNA position 14459, A replaced by T.
Protein change: p.Asp4820Val; replaces aspartic acid 4820 with valine.
Molecular consequence: missense variant.
Genome position (GRCh38, 1-based): chr15:28,111,809, T>A on the plus strand (A>T on the coding strand, the complement: HERC2 is on the minus strand). VCF-style: chr15-28111809-T-A. GRCh37 (hg19) VCF-style: chr15-28356955-T-A.
Other names: short protein forms D4820V.
Identifiers: ClinVar variation 3341046 (VCV003341046.1).

ClinVar aggregate classification (germline): Uncertain significance (1 of 4 stars; one submission).

gnomAD v4.1: 2 of 1,613,870 alleles (0.00012%); highest among the groups gnomAD compares: Admixed American, 0.0033%; no homozygotes.

Submission:

GeneDx
Classification: Uncertain significance. Last evaluated: 2023-10-24. Review status: criteria provided, single submitter. Criteria: GeneDx Variant Classification Process June 2021. Collection method: clinical testing. Allele origin: germline. Affected: yes.
Comment: Not observed at significant frequency in large population cohorts (gnomAD); In silico analysis supports that this missense variant has a deleterious effect on protein structure/function; Has not been previously published as pathogenic or benign to our knowledge